The following continues an entry in ClinVar:

NM_000218.3(KCNQ1):c.674C>T (p.Ser225Leu)

Gene: KCNQ1. ClinVar aggregate classification (germline): Likely pathogenic. Likely pathogenic (1).

Submissions 8 to 16 of 16:

Blueprint Genetics
Classification: Pathogenic for KCNQ1-related disorders. Last evaluated: 2024-02-09. Review status: criteria provided, single submitter. Criteria: ACMG Guidelines, 2015. Collection method: clinical testing. Allele origin: germline. Affected: yes. Observed: 5 variant alleles. Not counted in ClinVar's aggregate classification.

Laboratory for Molecular Medicine, Mass General Brigham Personalized Medicine
Classification: Likely pathogenic for Familial long QT syndrome. Last evaluated: 2023-10-27. Review status: criteria provided, single submitter. Criteria: ACMG Guidelines, 2015. Collection method: clinical testing. Allele origin: germline. Inheritance: Autosomal dominant inheritance. Not counted in ClinVar's aggregate classification.
Comment: The p.Ser225Leu variant in KCNQ1 has been reported in >15 individuals with long QT syndrome (LQTS) or referred for LQTS genetic testing (Priori 1999 PMID: 9927399, Splawski 2000 PMID: 10973849, Tester 2005 PMID: 15840476, Kapplinger 2009 PMID: 19716085, Andrsova 2012 PMID: 22727609, Giudicessi 2012 PMID: 22949429, Christiansen 2014 PMID: 24606995). This variant has also been reported by other clinical laboratories in ClinVar (Variation ID: 53083) and has been identified in 0.003% (1/30612) of South Asian and 0.001% (2/112392) European chromosomes by gnomAD (v.2.1.1). In vitro functional studies provide some evidence that the p.Ser225Leu variant may impact protein function, potentially through a dominant negative mechanism (Bianchi 2000 PMID: 11087258, Henrion 2009 PMID: 19590188, Barsheshet 2012 PMID: 22456477) and computational prediction tools and conservation analysis suggest that the p.Ser225Leu variant may impact the protein. In summary, although additional studies are required to fully establish its clinical significance, the p.Ser225Leu variant meets criteria to be classified as likely pathogenic for autosomal dominant LQTS. ACMG/AMP Criteria applied: PS4, PM2_Supporting, PS3_Supporting, PP3.

Fulgent Genetics
Classification: Pathogenic for Beckwith-Wiedemann syndrome; Long QT syndrome 1; Jervell and Lange-Nielsen syndrome 1; Atrial fibrillation, familial, 3; Short QT syndrome type 2. Last evaluated: 2021-11-23. Review status: criteria provided, single submitter. Criteria: ACMG Guidelines, 2015. Collection method: clinical testing. Allele origin: unknown. Not counted in ClinVar's aggregate classification.

MVZ Martinsried, Medicover Genetics
Classification: Pathogenic for Long QT syndrome 1. Last evaluated: 2020-06-20. Review status: criteria provided, single submitter. Criteria: ACGS Guidelines, 2020. Collection method: clinical testing. Allele origin: unknown. Affected: yes. Not counted in ClinVar's aggregate classification.

Molecular Diagnostic Laboratory for Inherited Cardiovascular Disease, Montreal Heart Institute
Classification: Pathogenic for Long QT syndrome 1. Last evaluated: 2019-05-02. Review status: criteria provided, single submitter. Criteria: ACMG Guidelines, 2015. Collection method: clinical testing. Allele origin: germline. Affected: yes. Not counted in ClinVar's aggregate classification.

Stanford Center for Inherited Cardiovascular Disease, Stanford University
Classification: Likely pathogenic. Last evaluated: 2014-10-13. Review status: criteria provided, single submitter. Criteria: ACMG Guidelines, 2015. Collection method: provider interpretation. Allele origin: germline. Not counted in ClinVar's aggregate classification.

Rady Children's Institute for Genomic Medicine, Rady Children's Hospital San Diego
Classification: Pathogenic for KCNQ1-related disorders. Review status: criteria provided, single submitter. Criteria: ACMG Guidelines, 2015. Collection method: clinical testing. Allele origin: germline. Affected: yes. Not counted in ClinVar's aggregate classification.
Comment: This variant has been reported in multiple individuals and families affected with long QT syndrome (PMID: 9927399, 10973849, 15840476, 17470695, 19716085, 22949429, 23130128). Experimental studies have shown that this missense change has a dominant-negative effect on channel activity (PMID: 11087258, 19590188, 21451124, 22456477). It is present in the heterozygous state in the gnomAD population database at a frequency of 0.001% (3/248308) and thus is presumed to be rare. The c.674C>T (p.Ser225Leu) variant affects a highly conserved amino acid and is predicted by multiple in silico tools to have a deleterious effect on protein function. Based on the available evidence, the c.674C>T (p.Ser225Leu) variant is classified as Pathogenic.

Clinical Molecular Genetics Laboratory, Johns Hopkins All Children's Hospital
Classification: Likely pathogenic for Long QT syndrome. Last evaluated: 2016-04-21. Review status: no assertion criteria provided. Collection method: clinical testing. Allele origin: germline. Affected: yes. Not counted in ClinVar's aggregate classification.

Cardiovascular Biomedical Research Unit, Royal Brompton & Harefield NHS Foundation Trust
No classification provided. Condition: Familial long QT syndrome. Review status: no classification provided. Collection method: literature only. Allele origin: germline. Not counted in ClinVar's aggregate classification.
Comment: This variant has been reported as associated with Long QT syndrome in the following publications (PMID:9927399;PMID:10973849;PMID:14678125;PMID:15466642;PMID:15840476;PMID:19590188;PMID:19716085;PMID:19841300;PMID:17999538;PMID:17470695;PMID:22456477). This is a literature report, and does not necessarily reflect the clinical interpretation of the Imperial College / Royal Brompton Cardiovascular Genetics laboratory.

Literature cited by the submitters: PubMed 21451124 (cited by 5 submitters); PubMed 29021305 (cited by ClinGen Potassium Channel Arrhythmia Variant Curation Expert Panel, ClinGen); PubMed 19590188 (cited by 7 submitters); PubMed 22456477 (cited by 6 submitters); PubMed 11087258 (cited by 6 submitters); PubMed 9927399 (cited by 6 submitters); PubMed 10973849 (cited by 5 submitters); PubMed 15840476 (cited by 6 submitters); PubMed 17470695 (cited by 5 submitters); PubMed 19716085 (cited by 5 submitters); PubMed 22727609 (cited by 5 submitters); PubMed 22949429 (cited by 4 submitters); PubMed 23130128 (cited by 5 submitters); PubMed 24606995 (cited by 5 submitters); PubMed 20541041 (cited by Ambry Genetics); PubMed 27690226 (cited by Ambry Genetics); PubMed 32383558 (cited by Ambry Genetics); PubMed 34505893 (cited by Ambry Genetics); PubMed 14678125 (cited by 3 submitters); PubMed 15466642 (cited by 3 submitters); PubMed 19841300 (cited by 3 submitters); PubMed 29925740 (cited by Color Diagnostics, LLC DBA Color Health and All of Us Research Program, National Institutes of Health); PubMed 32893267 (cited by Color Diagnostics, LLC DBA Color Health); PubMed 17999538 (cited by Cardiovascular Biomedical Research Unit, Royal Brompton & Harefield NHS Foundation Trust); PubMed 22581653 (cited by Cardiovascular Biomedical Research Unit, Royal Brompton & Harefield NHS Foundation Trust).